The following is an entry in ClinVar:

NM_000334.4(SCN4A):c.4519G>A (p.Val1507Ile)

Genes: GH-LCR (growth hormone locus control region; plus strand), SCN4A (sodium voltage-gated channel alpha subunit 4; minus strand). Cytogenetic location: 17q23.3.
Variant type: single nucleotide variant.
Coding change: c.4519G>A on transcript NM_000334.4 (MANE Select); coding-DNA position 4519, G replaced by A.
Protein change: p.Val1507Ile; replaces valine 1507 with isoleucine.
Molecular consequence: missense variant.
Genome position (GRCh38, 1-based): chr17:63,941,763, C>T on the plus strand (G>A on the coding strand, the complement: SCN4A is on the minus strand). VCF-style: chr17-63941763-C-T. GRCh37 (hg19) VCF-style: chr17-62019123-C-T.
Other names: short protein forms V1507I.
Identifiers: ClinVar variation 954431 (VCV000954431.17), dbSNP rs140517911, ClinGen allele CA8708950.

ClinVar aggregate classification (germline): Uncertain significance. Review status: criteria provided, multiple submitters, no conflicts (2 of 4 stars). 6 submissions from 6 submitters: Uncertain significance (4). 2 of the submissions do not count toward it. Last evaluated 2025-08-03.

Conditions:
Potassium-aggravated myotonia. Also called: Myotonia congenita, atypical, acetazolamide-responsive; MYOTONIA CONGENITA, ACETAZOLAMIDE-RESPONSIVE; MYOTONIA CONGENITA, ATYPICAL; SODIUM CHANNEL MUSCLE DISEASE. Identifiers: Orphanet 612, Orphanet 99734, Orphanet 99735, Orphanet 99736, MedGen C2931826, MONDO:0018959, OMIM 608390.
Congenital myasthenic syndrome 16. Identifiers: Orphanet 590, MedGen C3280112, MONDO:0013620, OMIM 614198.
Paramyotonia congenita of Von Eulenburg. Also called: Paramyotonia Congenita; PARALYSIS PERIODICA PARAMYOTONICA; Eulenburg disease; Myotonia congenita intermittens; Von Eulenburg paramyotonia congenita. Identifiers: Orphanet 684, MedGen C0221055, MONDO:0008195, OMIM 168300. Disease mechanism: loss of function.
Hypokalemic periodic paralysis, type 2 (HOKPP2). Identifiers: Orphanet 681, MedGen C2750061, MONDO:0013234, OMIM 613345.
Hypokalemic periodic paralysis, type 1. Also called: Hypokalemic Periodic Paralysis Type 1 (AD); HypoPP. Identifiers: Orphanet 681, MedGen C3714580, MONDO:0042979, OMIM 170400.
Hyperkalemic periodic paralysis. Also called: Familial hyperkalemic periodic paralysis; Gamstorp disease. Identifiers: Orphanet 682, MedGen C0238357, MONDO:0008224, OMIM 170500, HP:0007215.

Allele frequency attached by ClinVar (database versions not stated): gnomAD exomes 0.00004; 1000 Genomes Project 0.00060; gnomAD 0.00016 and 0.00017; TOPMed 0.00017; ExAC 0.00005; ESP Exome Variant Server 0.00008; 1000 Genomes Project 30x 0.00062.
gnomAD v4.1: 87 of 1,614,118 alleles (0.0054%); highest among the groups gnomAD compares: African/African-American, 0.037%; no homozygotes.

Submissions (6):

Labcorp Genetics (formerly Invitae), Labcorp
Classification: Uncertain significance for Hyperkalemic periodic paralysis. Last evaluated: 2025-08-03. Review status: criteria provided, single submitter. Criteria: Invitae Variant Classification Sherloc (09022015). Collection method: clinical testing. Allele origin: germline.
Comment: This sequence change replaces valine, which is neutral and non-polar, with isoleucine, which is neutral and non-polar, at codon 1507 of the SCN4A protein (p.Val1507Ile). This variant is present in population databases (rs140517911, gnomAD 0.03%). This missense change has been observed in individual(s) with clinical features of SCN4A-related conditions (PMID: 31127727). ClinVar contains an entry for this variant (Variation ID: 954431). Invitae Evidence Modeling of protein sequence and biophysical properties (such as structural, functional, and spatial information, amino acid conservation, physicochemical variation, residue mobility, and thermodynamic stability) has been performed for this missense variant. However, the output from this modeling did not meet the statistical confidence thresholds required to predict the impact of this variant on SCN4A protein function. In summary, the available evidence is currently insufficient to determine the role of this variant in disease. Therefore, it has been classified as a Variant of Uncertain Significance.

GeneDx
Classification: Uncertain significance. Last evaluated: 2025-01-07. Review status: criteria provided, single submitter. Criteria: GeneDx Variant Classification Process June 2021. Collection method: clinical testing. Allele origin: germline. Affected: yes.
Comment: Observed in a patient with suspected non-dystrophic myotonia or periodic paralysis, however, they also harbored a pathogenic variant in CLCN1 (PMID: 33573884); Reported in individuals with either Parkinson's disease or a neuromuscular disorder (PMID: 31127727, 32019516); In silico analysis indicates that this missense variant does not alter protein structure/function; This variant is associated with the following publications: (PMID: 33573884, 31127727, 32019516)

Fulgent Genetics
Classification: Uncertain significance for Paramyotonia congenita of Von Eulenburg; Hypokalemic periodic paralysis, type 1; Hyperkalemic periodic paralysis; Potassium-aggravated myotonia; Hypokalemic periodic paralysis, type 2; Congenital myasthenic syndrome 16. Last evaluated: 2021-12-15. Review status: criteria provided, single submitter. Criteria: ACMG Guidelines, 2015. Collection method: clinical testing. Allele origin: unknown.

Revvity Omics, Revvity
Classification: Uncertain significance. Last evaluated: 2019-06-26. Review status: criteria provided, single submitter. Criteria: ACMG Guidelines, 2015. Collection method: clinical testing. Allele origin: germline.

Joint Genome Diagnostic Labs from Nijmegen and Maastricht, Radboudumc and MUMC+
Classification: Likely benign. Review status: no assertion criteria provided. Collection method: clinical testing. Allele origin: germline. Affected: yes. Study: VKGL Data-share Consensus. Not counted in ClinVar's aggregate classification.

Laboratory of Diagnostic Genome Analysis, Leiden University Medical Center (LUMC)
Classification: Likely benign. Review status: no assertion criteria provided. Collection method: clinical testing. Allele origin: germline. Affected: yes. Study: VKGL Data-share Consensus. Not counted in ClinVar's aggregate classification.

Literature cited by the submitters: PubMed 31127727 (cited by Labcorp Genetics (formerly Invitae), Labcorp).